The following is an entry in ClinVar:

ClinVar aggregate classification (germline): Uncertain significance (1 of 4 stars; one submission).

Allele frequency attached by ClinVar (database versions not stated): gnomAD exomes 0.00003.
gnomAD v4.1: 42 of 1,613,974 alleles (0.0026%); highest among the groups gnomAD compares: Non-Finnish European, 0.0036%; no homozygotes.

Submission:

Labcorp Genetics (formerly Invitae), Labcorp
Classification: Uncertain significance. Last evaluated: 2025-12-06. Review status: criteria provided, single submitter. Criteria: Invitae Variant Classification Sherloc (09022015). Collection method: clinical testing. Allele origin: germline.
Comment: This sequence change replaces threonine, which is neutral and polar, with isoleucine, which is neutral and non-polar, at codon 468 of the ACVR1 protein (p.Thr468Ile). This variant is present in population databases (no rsID available, gnomAD 0.0009%). This variant has not been reported in the literature in individuals affected with ACVR1-related conditions. ClinVar contains an entry for this variant (Variation ID: 2879333). An algorithm developed to predict the effect of missense changes on protein structure and function (PolyPhen-2) suggests that this variant is likely to be disruptive. In summary, the available evidence is currently insufficient to determine the role of this variant in disease. Therefore, it has been classified as a Variant of Uncertain Significance.

NM_001111067.4(ACVR1):c.1403C>T (p.Thr468Ile)

Gene: ACVR1 (activin A receptor type 1; minus strand). Cytogenetic location: 2q24.1.
Variant type: single nucleotide variant.
Coding change: c.1403C>T on transcript NM_001111067.4 (MANE Select); coding-DNA position 1403, C replaced by T.
Protein change: p.Thr468Ile; replaces threonine 468 with isoleucine.
Molecular consequence: missense variant.
Genome position (GRCh38, 1-based): chr2:157,737,658, G>A on the plus strand (C>T on the coding strand, the complement: ACVR1 is on the minus strand). VCF-style: chr2-157737658-G-A. GRCh37 (hg19) VCF-style: chr2-158594170-G-A.
Other names: c.1403C>T, p.Thr468Ile (NM_001105.5, NM_001347663.1, NM_001347664.1 and 3 more transcripts); short protein forms T468I.
Identifiers: ClinVar variation 2879333 (VCV002879333.3), dbSNP rs145780526, ClinGen allele CA349193661.
Genomic context (GRCh38, chr2:157,737,658, plus strand): 5'-GCTGTGAGTCTTGCGGATGGATTTTGATACCAGCATTCTTTCATTAGCTTGGCCAGAGAG[G>A]TTAATGTCTGAGGAGAGAAAGAACAAACACCACAATGACAAACTGGCTTTTTAATGGCCC-3'
Protein context (NP_001104537.1, residues 458-478): PNRWFSDPTL[Thr468Ile]SLAKLMKECW